The following is an entry in ClinVar:

NM_002230.4(JUP):c.1981C>T (p.Arg661Trp)

Gene: JUP (junction plakoglobin; minus strand). Cytogenetic location: 17q21.2.
Variant type: single nucleotide variant.
Coding change: c.1981C>T on transcript NM_002230.4 (MANE Select); coding-DNA position 1981, C replaced by T.
Protein change: p.Arg661Trp; replaces arginine 661 with tryptophan.
Molecular consequence: missense variant.
Genome position (GRCh38, 1-based): chr17:41,757,480, G>A on the plus strand (C>T on the coding strand, the complement: JUP is on the minus strand). VCF-style: chr17-41757480-G-A. GRCh37 (hg19) VCF-style: chr17-39913732-G-A.
Other names: p.Arg661Trp; c.1981C>T, p.Arg661Trp (NM_001352775.2, NM_001352776.2, NM_001352777.2 and 3 more transcripts); short protein forms R661W.
Identifiers: ClinVar variation 1783815 (VCV001783815.9), dbSNP rs781854644, ClinGen allele CA8565057.
Genomic context (GRCh38, chr17:41,757,480, plus strand): 5'-CCCAGGCAGCCGGGTCATGCTTGAAGAGGGAGTTGGTGAGCTCCACGGACACGCGCTTCC[G>A]GTAGTCTGGGTTCTTGTCCTCGGAGATGCGGAACAGGACGGCAGCAGCGTAGGTGGCTGA-3'
Protein context (NP_002221.1, residues 651-671): RISEDKNPDY[Arg661Trp]KRVSVELTNS

ClinVar aggregate classification (germline): Uncertain significance. Review status: criteria provided, multiple submitters, no conflicts (2 of 4 stars). 4 submissions from 4 submitters: Uncertain significance (4). Last evaluated 2025-10-19.

Conditions:
Naxos disease (NXD). Also called: KERATOSIS PALMOPLANTARIS WITH ARRHYTHMOGENIC CARDIOMYOPATHY; MAL DE NAXOS; PALMOPLANTAR KERATODERMA WITH ARRHYTHMOGENIC RIGHT VENTRICULAR CARDIOMYOPATHY AND WOOLLY HAIR; WOOLLY HAIR, PALMOPLANTAR KERATODERMA, AND CARDIAC ABNORMALITIES; CARDIOMYOPATHY, ARRHYTHMOGENIC RIGHT VENTRICULAR, WITH SKIN, HAIR, AND NAIL ABNORMALITIES. Identifiers: Orphanet 34217, MedGen C1832600, MONDO:0011017, OMIM 601214.
Arrhythmogenic right ventricular dysplasia 12. Also called: ARRHYTHMOGENIC RIGHT VENTRICULAR DYSPLASIA, FAMILIAL, 12. Identifiers: MedGen C1969081, MONDO:0012684, OMIM 611528.
Cardiovascular phenotype. Identifiers: MedGen CN230736.

Allele frequency attached by ClinVar (database versions not stated): gnomAD exomes 0.00002; TOPMed 0.00002; gnomAD 0.00003; ExAC 0.00006.
gnomAD v4.1: 37 of 1,614,066 alleles (0.0023%); highest among the groups gnomAD compares: Admixed American, 0.017%; no homozygotes.

Submissions (4):

Labcorp Genetics (formerly Invitae), Labcorp
Classification: Uncertain significance for Arrhythmogenic right ventricular dysplasia 12; Naxos disease. Last evaluated: 2025-10-19. Review status: criteria provided, single submitter. Criteria: Invitae Variant Classification Sherloc (09022015). Collection method: clinical testing. Allele origin: germline.
Comment: This sequence change replaces arginine, which is basic and polar, with tryptophan, which is neutral and slightly polar, at codon 661 of the JUP protein (p.Arg661Trp). This variant is present in population databases (rs781854644, gnomAD 0.02%). This variant has not been reported in the literature in individuals affected with JUP-related conditions. ClinVar contains an entry for this variant (Variation ID: 1783815). An algorithm developed to predict the effect of missense changes on protein structure and function (PolyPhen-2) suggests that this variant is likely to be tolerated. In summary, the available evidence is currently insufficient to determine the role of this variant in disease. Therefore, it has been classified as a Variant of Uncertain Significance.

Mayo Clinic Laboratories, Mayo Clinic
Classification: Uncertain significance. Last evaluated: 2025-07-12. Review status: criteria provided, single submitter. Criteria: ACMG Guidelines, 2015. Collection method: clinical testing. Allele origin: germline. Observed: 1 variant allele.

GeneDx
Classification: Uncertain significance. Last evaluated: 2025-02-25. Review status: criteria provided, single submitter. Criteria: GeneDx Variant Classification Process June 2021. Collection method: clinical testing. Allele origin: germline. Affected: yes.
Comment: In silico analysis supports that this missense variant has a deleterious effect on protein structure/function; Has not been previously published as pathogenic or benign to our knowledge

Ambry Genetics
Classification: Uncertain significance for Cardiovascular phenotype. Last evaluated: 2020-02-12. Review status: criteria provided, single submitter. Criteria: Ambry Variant Classification Scheme 2023. Collection method: clinical testing. Allele origin: germline.
Comment: The p.R661W variant (also known as c.1981C>T), located in coding exon 11 of the JUP gene, results from a C to T substitution at nucleotide position 1981. The arginine at codon 661 is replaced by tryptophan, an amino acid with dissimilar properties. This amino acid position is well conserved in available vertebrate species. In addition, the in silico prediction for this alteration is inconclusive. Since supporting evidence is limited at this time, the clinical significance of this alteration remains unclear.